The following is an entry in ClinVar:

ClinVar aggregate classification (germline): Uncertain significance (1 of 4 stars; one submission).

Conditions:
Baller-Gerold syndrome (BGS). Also called: CRANIOSYNOSTOSIS WITH RADIAL DEFECTS. Identifiers: Orphanet 1225, MedGen C0265308, MONDO:0009039, OMIM 218600.

Submission:

Labcorp Genetics (formerly Invitae), Labcorp
Classification: Uncertain significance for Baller-Gerold syndrome. Last evaluated: 2023-02-22. Review status: criteria provided, single submitter. Criteria: Invitae Variant Classification Sherloc (09022015). Collection method: clinical testing. Allele origin: germline.
Comment: In summary, the available evidence is currently insufficient to determine the role of this variant in disease. Therefore, it has been classified as a Variant of Uncertain Significance. Algorithms developed to predict the effect of missense changes on protein structure and function output the following: SIFT: "Not Available"; PolyPhen-2: "Not Available"; Align-GVGD: "Not Available". The aspartic acid amino acid residue is found in multiple mammalian species, which suggests that this missense change does not adversely affect protein function. This variant has not been reported in the literature in individuals affected with RECQL4-related conditions. This variant is not present in population databases (gnomAD no frequency). This sequence change replaces glutamic acid, which is acidic and polar, with aspartic acid, which is acidic and polar, at codon 871 of the RECQL4 protein (p.Glu871Asp).

NM_004260.4(RECQL4):c.2613G>C (p.Glu871Asp)

Gene: RECQL4 (RecQ like helicase 4; minus strand). Cytogenetic location: 8q24.3.
Variant type: single nucleotide variant.
Coding change: c.2613G>C on transcript NM_004260.4 (MANE Select); coding-DNA position 2613, G replaced by C.
Protein change: p.Glu871Asp; replaces glutamic acid 871 with aspartic acid.
Molecular consequence: missense variant. On other transcripts: non-coding transcript variant (3).
Genome position (GRCh38, 1-based): chr8:144,512,989, C>G on the plus strand (G>C on the coding strand, the complement: RECQL4 is on the minus strand). VCF-style: chr8-144512989-C-G. GRCh37 (hg19) VCF-style: chr8-145738372-C-G.
Other names: c.2319G>C, p.Glu773Asp (NM_001413017.1); c.2415G>C, p.Glu805Asp (NM_001413018.1); c.2613G>C, p.Glu871Asp (NM_001413019.1, NM_001413036.1); c.2517G>C, p.Glu839Asp (NM_001413020.1); c.1542G>C, p.Glu514Asp (NM_001413021.1, NM_001413022.1, NM_001413023.1 and 5 more transcripts); c.2484G>C, p.Glu828Asp (NM_001413025.1); c.1476G>C, p.Glu492Asp (NM_001413027.1, NM_001413030.1, NM_001413032.1 and 1 more transcripts); c.2262G>C, p.Glu754Asp (NM_001413029.1); and 6 more; short protein forms E514D, E754D, E773D, E805D, E861D, E871D, E382D, E448D.
Identifiers: ClinVar variation 2839797 (VCV002839797.3), dbSNP rs2130671283, ClinGen allele CA372676850.